The following is an entry in ClinVar:

NM_004360.5(CDH1):c.376_382del (p.Pro126fs)

Gene: CDH1 (cadherin 1; plus strand). Cytogenetic location: 16q22.1.
Variant type: Microsatellite.
Coding change: c.376_382del on transcript NM_004360.5 (MANE Select); coding-DNA positions 376 to 382, 7 bases deleted (CCGCCCC; older notation c.376_382delCCGCCCC).
Protein change: p.Pro126fs; shifts the reading frame from proline 126.
Molecular consequence: frameshift variant. On other transcripts: 5 prime UTR variant (2).
Genome position (GRCh38, 1-based): chr16:68,801,882-68,801,888, CCGCCCC deleted; deleting any 7 consecutive bases within chr16:68,801,875-68,801,888 gives the same sequence; the c. name uses the placement nearest the transcript's 3' end. VCF-style (leftmost placement, unchanged base first): chr16-68801874-ACCGCCCC-A. GRCh37 (hg19) VCF-style: chr16-68835777-ACCGCCCC-A.
Other names: c.-1451CCGCCCC[1] (NM_001317186.2); c.376_382del, p.Pro126fs (NM_001317184.2); c.-1247CCGCCCC[1] (NM_001317185.2); short protein forms P126fs.
Identifiers: ClinVar variation 2583472 (VCV002583472.2), dbSNP rs1567501500, ClinGen allele CA2576038671.

ClinVar aggregate classification (germline): Pathogenic (1 of 4 stars; one submission).

Conditions:
Hereditary diffuse gastric adenocarcinoma (HDGC). Also called: DIFFUSE GASTRIC AND LOBULAR BREAST CANCER SYNDROME. Identifiers: Orphanet 26106, MedGen C1708349, MONDO:0007648, OMIM 137215.

Submission:

Myriad Genetics, Inc.
Classification: Pathogenic for Hereditary diffuse gastric adenocarcinoma. Last evaluated: 2023-06-08. Review status: criteria provided, single submitter. Criteria: Myriad Autosomal Dominant, Autosomal Recessive and X-Linked Classification Criteria (2023). Collection method: clinical testing. Allele origin: unknown.
Comment: This variant is considered pathogenic. This variant creates a frameshift predicted to result in premature protein truncation.